The following is an entry in ClinVar:

ClinVar aggregate classification (germline): Uncertain significance. Review status: criteria provided, multiple submitters, no conflicts (2 of 4 stars). 3 submissions from 3 submitters: Uncertain significance (3). Last evaluated 2025-10-28.

Conditions:
DICER1-related tumor predisposition. Also called: DICER1-related pleuropulmonary blastoma cancer predisposition syndrome; DICER1 syndrome. Identifiers: Orphanet 284343, MedGen C3839822, MONDO:0100216.
Hereditary cancer-predisposing syndrome. Also called: Tumor predisposition; Neoplastic Syndromes, Hereditary; Hereditary Cancer Syndrome; Hereditary neoplastic syndrome. Identifiers: Orphanet 140162, MedGen C0027672, MeSH D009386, MONDO:0015356.

Allele frequency attached by ClinVar (database versions not stated): gnomAD 0.00001; TOPMed 0.00001.
gnomAD v4.1: 3 of 1,613,566 alleles (0.00019%); highest among the groups gnomAD compares: Non-Finnish European, 0.00025%; no homozygotes.

Submissions (3):

Labcorp Genetics (formerly Invitae), Labcorp
Classification: Uncertain significance for DICER1-related tumor predisposition. Last evaluated: 2025-10-28. Review status: criteria provided, single submitter. Criteria: Invitae Variant Classification Sherloc (09022015). Collection method: clinical testing. Allele origin: germline.
Comment: This sequence change replaces glutamic acid, which is acidic and polar, with alanine, which is neutral and non-polar, at codon 136 of the DICER1 protein (p.Glu136Ala). This variant is present in population databases (no rsID available, gnomAD no frequency). This variant has not been reported in the literature in individuals affected with DICER1-related conditions. ClinVar contains an entry for this variant (Variation ID: 477178). Invitae Evidence Modeling of protein sequence and biophysical properties (such as structural, functional, and spatial information, amino acid conservation, physicochemical variation, residue mobility, and thermodynamic stability) indicates that this missense variant is not expected to disrupt DICER1 protein function with a negative predictive value of 95%. In summary, the available evidence is currently insufficient to determine the role of this variant in disease. Therefore, it has been classified as a Variant of Uncertain Significance.

Ambry Genetics
Classification: Uncertain significance for Hereditary cancer-predisposing syndrome. Last evaluated: 2024-10-23. Review status: criteria provided, single submitter. Criteria: Ambry Variant Classification Scheme 2023. Collection method: clinical testing. Allele origin: germline.
Comment: The p.E136A variant (also known as c.407A>C), located in coding exon 3 of the DICER1 gene, results from an A to C substitution at nucleotide position 407. The glutamic acid at codon 136 is replaced by alanine, an amino acid with dissimilar properties. This amino acid position is highly conserved in available vertebrate species. In addition, this alteration is predicted to be tolerated by in silico analysis. Since supporting evidence is limited at this time, the clinical significance of this alteration remains unclear.

GeneDx
Classification: Uncertain significance. Last evaluated: 2024-05-28. Review status: criteria provided, single submitter. Criteria: GeneDx Variant Classification Process June 2021. Collection method: clinical testing. Allele origin: germline. Affected: yes.
Comment: Not observed at significant frequency in large population cohorts (gnomAD); In silico analysis indicates that this missense variant does not alter protein structure/function; Has not been previously published as pathogenic or benign to our knowledge

NM_177438.3(DICER1):c.407A>C (p.Glu136Ala)

Gene: DICER1 (dicer 1, ribonuclease III; minus strand). Cytogenetic location: 14q32.13.
Variant type: single nucleotide variant.
Coding change: c.407A>C on transcript NM_177438.3 (MANE Select); coding-DNA position 407, A replaced by C.
Protein change: p.Glu136Ala; replaces glutamic acid 136 with alanine.
Molecular consequence: missense variant.
Genome position (GRCh38, 1-based): chr14:95,131,540, T>G on the plus strand (A>C on the coding strand, the complement: DICER1 is on the minus strand). VCF-style: chr14-95131540-T-G. GRCh37 (hg19) VCF-style: chr14-95597877-T-G.
Other names: c.407A>C, p.Glu136Ala (NM_001195573.1, NM_001271282.3, NM_001291628.2 and 1 more transcripts); short protein forms E136A.
Identifiers: ClinVar variation 477178 (VCV000477178.16), dbSNP rs1037879170, ClinGen allele CA265926925.